The following is an entry in ClinVar:

NM_001303052.2(MYT1L):c.2063G>C (p.Ser688Thr)

Gene: MYT1L (myelin transcription factor 1 like; minus strand). Cytogenetic location: 2p25.3.
Variant type: single nucleotide variant.
Coding change: c.2063G>C on transcript NM_001303052.2 (MANE Select); coding-DNA position 2063, G replaced by C.
Protein change: p.Ser688Thr; replaces serine 688 with threonine.
Molecular consequence: missense variant.
Genome position (GRCh38, 1-based): chr2:1,892,257, C>G on the plus strand (G>C on the coding strand, the complement: MYT1L is on the minus strand). VCF-style: chr2-1892257-C-G. GRCh37 (hg19) VCF-style: chr2-1896029-C-G.
Other names: c.2057G>C, p.Ser686Thr (NM_001329852.3, NM_015025.4, NM_001329846.3 and 3 more transcripts); c.2063G>C, p.Ser688Thr (NM_001329844.2, NM_001329845.1, NM_001329851.3); short protein forms S686T, S688T.
Identifiers: ClinVar variation 2650626 (VCV002650626.24), dbSNP rs2550731845, ClinGen allele CA345713098.

ClinVar aggregate classification (germline): Uncertain significance (1 of 4 stars; one submission).

Submission:

CeGaT Center for Human Genetics Tuebingen
Classification: Uncertain significance. Last evaluated: 2023-03-01. Review status: criteria provided, single submitter. Criteria: CeGaT Center For Human Genetics Tuebingen Variant Classification Criteria Version 2. Collection method: clinical testing. Allele origin: germline. Affected: yes. Observed: 1 variant allele.
Comment: MYT1L: PM2, PP2, BP4